The following is an entry in ClinVar:

ClinVar aggregate classification (germline): Uncertain significance. Review status: criteria provided, multiple submitters, no conflicts (2 of 4 stars). 2 submissions from 2 submitters: Uncertain significance (2). Last evaluated 2026-07-06.

Conditions:
Hereditary cancer-predisposing syndrome. Also called: Hereditary Cancer Syndrome; Tumor predisposition; Hereditary neoplastic syndrome; Neoplastic Syndromes, Hereditary. Identifiers: Orphanet 140162, MedGen C0027672, MeSH D009386, MONDO:0015356.
DICER1-related tumor predisposition. Also called: DICER1 syndrome; DICER1-related pleuropulmonary blastoma cancer predisposition syndrome. Identifiers: Orphanet 284343, MedGen C3839822, MONDO:0100216.

Allele frequency attached by ClinVar (database versions not stated): gnomAD exomes below 0.00001.
gnomAD v4.1: 1 of 1,614,114 alleles (0.000062%); highest among the groups gnomAD compares: Non-Finnish European, 0.000085%; no homozygotes.

Submissions (2):

Ambry Genetics
Classification: Uncertain significance for Hereditary cancer-predisposing syndrome. Last evaluated: 2026-07-06. Review status: criteria provided, single submitter. Criteria: Ambry Variant Classification Scheme 2023. Collection method: clinical testing. Allele origin: germline.
Comment: The p.N1120S variant (also known as c.3359A>G), located in coding exon 20 of the DICER1 gene, results from an A to G substitution at nucleotide position 3359. The asparagine at codon 1120 is replaced by serine, an amino acid with highly similar properties. This amino acid position is conserved. In addition, this alteration is predicted to be tolerated by in silico analysis. Based on the available evidence, the clinical significance of this variant remains unclear.

Labcorp Genetics (formerly Invitae), Labcorp
Classification: Uncertain significance for DICER1-related tumor predisposition. Last evaluated: 2024-05-02. Review status: criteria provided, single submitter. Criteria: Invitae Variant Classification Sherloc (09022015). Collection method: clinical testing. Allele origin: germline.
Comment: This sequence change replaces asparagine, which is neutral and polar, with serine, which is neutral and polar, at codon 1120 of the DICER1 protein (p.Asn1120Ser). This variant is not present in population databases (gnomAD no frequency). This variant has not been reported in the literature in individuals affected with DICER1-related conditions. ClinVar contains an entry for this variant (Variation ID: 543650). Advanced modeling of protein sequence and biophysical properties (such as structural, functional, and spatial information, amino acid conservation, physicochemical variation, residue mobility, and thermodynamic stability) performed at Invitae indicates that this missense variant is not expected to disrupt DICER1 protein function with a negative predictive value of 80%. In summary, the available evidence is currently insufficient to determine the role of this variant in disease. Therefore, it has been classified as a Variant of Uncertain Significance.

NM_177438.3(DICER1):c.3359A>G (p.Asn1120Ser)

Gene: DICER1 (dicer 1, ribonuclease III; minus strand). Cytogenetic location: 14q32.13.
Variant type: single nucleotide variant.
Coding change: c.3359A>G on transcript NM_177438.3 (MANE Select); coding-DNA position 3359, A replaced by G.
Protein change: p.Asn1120Ser; replaces asparagine 1120 with serine.
Molecular consequence: missense variant.
Genome position (GRCh38, 1-based): chr14:95,104,037, T>C on the plus strand (A>G on the coding strand, the complement: DICER1 is on the minus strand). VCF-style: chr14-95104037-T-C. GRCh37 (hg19) VCF-style: chr14-95570374-T-C.
Other names: c.3359A>G, p.Asn1120Ser (NM_001195573.1, NM_001271282.3, NM_001291628.2 and 1 more transcripts); short protein forms N1120S.
Identifiers: ClinVar variation 543650 (VCV000543650.11), dbSNP rs1555369701, ClinGen allele CA390875760.
Genomic context (GRCh38, chr14:95,104,037, plus strand): 5'-GTTCTATTAGCACCTTGATGTGCAGCATTTTCAGGGACAATTGTGCTGTGCTTACAGTAA[T>C]TATCATTTTCAGCTGAAGAGGAGTTAGAAATTGAGATGAAAGATTTGCTGTCAATAGATT-3'
Protein context (NP_803187.1, residues 1110-1130): ISNSSSAEND[Asn1120Ser]YCKHSTIVPE